The following is an entry in ClinVar:

NM_004415.4(DSP):c.613G>A (p.Val205Met)

Gene: DSP (desmoplakin; plus strand). Cytogenetic location: 6p24.3.
Variant type: single nucleotide variant.
Coding change: c.613G>A on transcript NM_004415.4 (MANE Select); coding-DNA position 613, G replaced by A.
Protein change: p.Val205Met; replaces valine 205 with methionine.
Molecular consequence: missense variant.
Genome position (GRCh38, 1-based): chr6:7,562,667, G>A. VCF-style: chr6-7562667-G-A. GRCh37 (hg19) VCF-style: chr6-7562900-G-A.
Other names: c.613G>A, p.Val205Met (NM_001008844.3, NM_001319034.2, NM_001406591.1); short protein forms V205M.
Identifiers: ClinVar variation 2775264 (VCV002775264.4), dbSNP rs2533862916, ClinGen allele CA362673133.
Genomic context (GRCh38, chr6:7,562,667, plus strand): 5'-AAGGGGCAACAACAAAGGGCGCCTCTCTTTGTCTTTGTGTCGCAGGCGGAGATGGACATG[G>A]TGGCCTGGGGTGTGGACCTGGCCTCAGTGGAGCAGCACATTAACAGCCACCGGGGCATCC-3'
Protein context (NP_004406.2, residues 195-215): MRQQRAEMDM[Val205Met]AWGVDLASVE

ClinVar aggregate classification (germline): Conflicting classifications of pathogenicity. Review status: criteria provided, conflicting classifications (1 of 4 stars). 3 submissions from 3 submitters: Uncertain significance (1); Likely benign (2). Last evaluated 2025-08-16.

Conditions:
Arrhythmogenic right ventricular dysplasia 8 (ARVD8). Also called: Arrhythmogenic Right Ventricular Dysplasia/Cardiomyopathy 8; ARRHYTHMOGENIC RIGHT VENTRICULAR DYSPLASIA, FAMILIAL, 8; ARRHYTHMOGENIC RIGHT VENTRICULAR CARDIOMYOPATHY 8. Identifiers: MedGen C1843896, MONDO:0011831, OMIM 607450.
Arrhythmogenic cardiomyopathy with wooly hair and keratoderma. Also called: PALMOPLANTAR KERATODERMA WITH LEFT VENTRICULAR CARDIOMYOPATHY AND WOOLLY HAIR; Dilated cardiomyopathy with woolly hair and keratoderma; Arrhythmogenic cardiomyopathy with woolly hair and keratoderma; Carvajal syndrome. Identifiers: Orphanet 65282, MedGen C1854063, MONDO:0011581, OMIM 605676.
Cardiomyopathy (CMYO). Also called: Cardiomyopathies. Identifiers: Orphanet 167848, MedGen C0878544, MONDO:0004994, HP:0001638. Inheritance: Various modes of inheritance.

Submissions (3):

Labcorp Genetics (formerly Invitae), Labcorp
Classification: Uncertain significance for Arrhythmogenic cardiomyopathy with wooly hair and keratoderma; Arrhythmogenic right ventricular dysplasia 8. Last evaluated: 2025-08-16. Review status: criteria provided, single submitter. Criteria: Invitae Variant Classification Sherloc (09022015). Collection method: clinical testing. Allele origin: germline.
Comment: This sequence change replaces valine, which is neutral and non-polar, with methionine, which is neutral and non-polar, at codon 205 of the DSP protein (p.Val205Met). This variant is not present in population databases (gnomAD no frequency). This variant has not been reported in the literature in individuals affected with DSP-related conditions. ClinVar contains an entry for this variant (Variation ID: 2775264). An algorithm developed to predict the effect of missense changes on protein structure and function outputs the following: PolyPhen-2: "Benign". The methionine amino acid residue is found in multiple mammalian species, which suggests that this missense change does not adversely affect protein function. In summary, the available evidence is currently insufficient to determine the role of this variant in disease. Therefore, it has been classified as a Variant of Uncertain Significance.

Color Diagnostics, LLC DBA Color Health
Classification: Likely benign for Cardiomyopathy. Last evaluated: 2024-08-29. Review status: criteria provided, single submitter. Criteria: ACMG Guidelines, 2015. Collection method: clinical testing. Allele origin: germline.

All of Us Research Program, National Institutes of Health
Classification: Likely benign for Arrhythmogenic cardiomyopathy with wooly hair and keratoderma. Last evaluated: 2024-04-16. Review status: criteria provided, single submitter. Criteria: ACMG Guidelines, 2015. Collection method: clinical testing. Allele origin: germline. Inheritance: Autosomal dominant inheritance. Observed: 1 variant allele, 1 heterozygote.
Comment: This study involves interpretation of variants in research participants for the purpose of population health screening. Participant phenotype was not available at the time of variant classification. Additional details can be found in publication PMID: 35346344, PMCID: PMC8962531